The following is an entry in ClinVar:

ClinVar aggregate classification (germline): Likely benign. Review status: criteria provided, multiple submitters, no conflicts (2 of 4 stars). 2 submissions from 2 submitters: Likely benign (2). Last evaluated 2024-09-23.

Allele frequency attached by ClinVar (database versions not stated): ExAC 0.00001; TOPMed 0.00001.
gnomAD v4.1: 12 of 1,611,234 alleles (0.00074%); highest among the groups gnomAD compares: African/African-American, 0.008%; no homozygotes.

Submissions (2):

Blueprint Genetics
Classification: Likely benign. Last evaluated: 2024-09-23. Review status: criteria provided, single submitter. Criteria: ACMG Guidelines, 2015. Collection method: clinical testing. Allele origin: germline.

CeGaT Center for Human Genetics Tuebingen
Classification: Likely benign. Last evaluated: 2022-03-01. Review status: criteria provided, single submitter. Criteria: CeGaT Center For Human Genetics Tuebingen Variant Classification Criteria Version 2. Collection method: clinical testing. Allele origin: germline. Affected: yes. Observed: 1 variant allele.
Comment: GOLGA2: BP4, BP7

NM_001366244.2(GOLGA2):c.1614C>T (p.Ala538=)

Gene: GOLGA2 (golgin A2; minus strand). Cytogenetic location: 9q34.11.
Variant type: single nucleotide variant.
Coding change: c.1614C>T on transcript NM_001366244.2 (MANE Select); coding-DNA position 1614, C replaced by T.
Protein change: p.Ala538=; no amino-acid change (alanine 538 retained).
Molecular consequence: synonymous variant.
Genome position (GRCh38, 1-based): chr9:128,260,609, G>A on the plus strand (C>T on the coding strand, the complement: GOLGA2 is on the minus strand). VCF-style: chr9-128260609-G-A. GRCh37 (hg19) VCF-style: chr9-131022888-G-A.
Other names: c.1413C>T, p.Ala471= (NM_001389703.2); c.1161C>T, p.Ala387= (NM_001389704.2); c.1140C>T, p.Ala380= (NM_001389705.2); c.1533C>T, p.Ala511= (NM_004486.6, NM_001366246.2); c.1599C>T, p.Ala533= (NM_001389695.2); c.1596C>T, p.Ala532= (NM_001389696.2); c.1521C>T, p.Ala507= (NM_001389697.2); c.1515C>T, p.Ala505= (NM_001389698.2); and 3 more.
Identifiers: ClinVar variation 2659533 (VCV002659533.25), dbSNP rs770034806, ClinGen allele CA5259020.